The following is an entry in ClinVar:

NM_003119.4(SPG7):c.1083G>A (p.Ala361=)

Gene: SPG7 (SPG7 matrix AAA peptidase subunit, paraplegin; plus strand). Cytogenetic location: 16q24.3.
Variant type: single nucleotide variant.
Coding change: c.1083G>A on transcript NM_003119.4 (MANE Select); coding-DNA position 1083, G replaced by A.
Protein change: p.Ala361=; no amino-acid change (alanine 361 retained).
Molecular consequence: synonymous variant.
Genome position (GRCh38, 1-based): chr16:89,531,999, G>A. VCF-style: chr16-89531999-G-A. GRCh37 (hg19) VCF-style: chr16-89598407-G-A.
Other names: p.A361A:GCG>GCA; p.Ala361=; c.1083G>A, p.Ala361= (NM_001363850.1, NM_199367.3).
Identifiers: ClinVar variation 198782 (VCV000198782.31), dbSNP rs114135540, ClinGen allele CA247608.

ClinVar aggregate classification (germline): Conflicting classifications of pathogenicity. Review status: criteria provided, conflicting classifications (1 of 4 stars). 10 submissions from 10 submitters: Uncertain significance (2); Benign (2); Likely benign (5). 1 of the submissions does not count toward it. Last evaluated 2026-01-11.

Conditions:
SPG7-related disorder. Also called: SPG7-related condition.
Hereditary spastic paraplegia. Also called: Familial spastic paraparesis. Identifiers: Orphanet 685, MedGen C0037773, MONDO:0019064. Disease mechanism: loss of function.
Hereditary spastic paraplegia 7 (SPG7). Also called: Spastic paraplegia 7; Hereditary spastic paraplegia Paraplegin type; Autosomal recessive spastic paraplegia type 7; SPASTIC PARAPLEGIA 7, AUTOSOMAL RECESSIVE, WITH OR WITHOUT CEREBELLAR ATAXIA; SPG7-related neurologic disorder. Identifiers: Orphanet 99013, MedGen C1846564, MONDO:0011803, OMIM 607259.

Allele frequency attached by ClinVar (database versions not stated): ExAC 0.00047; ESP Exome Variant Server 0.00085; gnomAD 0.00089; 1000 Genomes Project 30x 0.00094; 1000 Genomes Project 0.00100; TOPMed 0.00123.
gnomAD v4.1: 547 of 1,613,936 alleles (0.034%); highest among the groups gnomAD compares: African/African-American, 0.32%; 2 homozygotes.

Submissions (10):

Labcorp Genetics (formerly Invitae), Labcorp
Classification: Benign for Hereditary spastic paraplegia 7. Last evaluated: 2026-01-11. Review status: criteria provided, single submitter. Criteria: Invitae Variant Classification Sherloc (09022015). Collection method: clinical testing. Allele origin: germline.

CeGaT Center for Human Genetics Tuebingen
Classification: Likely benign. Last evaluated: 2025-11-01. Review status: criteria provided, single submitter. Criteria: CeGaT Center For Human Genetics Tuebingen Variant Classification Criteria Version 2. Collection method: clinical testing. Allele origin: germline. Affected: yes. Observed: 1 variant allele.
Comment: SPG7: BP4, BP7

Mayo Clinic Laboratories, Mayo Clinic
Classification: Likely benign. Last evaluated: 2025-02-11. Review status: criteria provided, single submitter. Criteria: ACMG Guidelines, 2015. Collection method: clinical testing. Allele origin: germline. Observed: 4 variant alleles.
Comment: BP4, BP7

Blueprint Genetics
Classification: Likely benign. Last evaluated: 2024-09-05. Review status: criteria provided, single submitter. Criteria: ACMG Guidelines, 2015. Collection method: clinical testing. Allele origin: germline.

Illumina Laboratory Services, Illumina
Classification: Uncertain significance for Hereditary spastic paraplegia 7. Last evaluated: 2018-01-13. Review status: criteria provided, single submitter. Criteria: ICSL Variant Classification Criteria 13 December 2019. Collection method: clinical testing. Allele origin: germline.

Athena Diagnostics
Classification: Likely benign. Last evaluated: 2017-04-28. Review status: criteria provided, single submitter. Criteria: Athena Diagnostics Criteria. Collection method: clinical testing. Allele origin: germline.

Genome Diagnostics Laboratory, The Hospital for Sick Children
Classification: Likely benign for Hereditary spastic paraplegia. Last evaluated: 2016-12-12. Review status: criteria provided, single submitter. Criteria: ACMG Guidelines, 2015. Collection method: clinical testing. Allele origin: germline. Affected: yes.

Eurofins Ntd Llc (ga)
Classification: Uncertain significance. Last evaluated: 2015-04-02. Review status: criteria provided, single submitter. Criteria: EGL Classification Definitions 2015. Collection method: clinical testing. Allele origin: germline. Observed: 1 variant allele, 1 heterozygote.

GeneDx
Classification: Benign. Last evaluated: 2014-07-15. Review status: criteria provided, single submitter. Criteria: GeneDx Variant Classification (06012015). Collection method: clinical testing. Allele origin: germline. Affected: yes.
Comment: This variant is considered likely benign or benign based on one or more of the following criteria: it is a conservative change, it occurs at a poorly conserved position in the protein, it is predicted to be benign by multiple in silico algorithms, and/or has population frequency not consistent with disease.

PreventionGenetics, part of Exact Sciences
Classification: Likely benign for SPG7-related condition. Last evaluated: 2019-06-26. Review status: no assertion criteria provided. Collection method: clinical testing. Allele origin: germline. Not counted in ClinVar's aggregate classification.
Comment: This variant is classified as likely benign based on ACMG/AMP sequence variant interpretation guidelines (Richards et al. 2015 PMID: 25741868, with internal and published modifications).